The following is an entry in ClinVar:

NM_005337.5(NCKAP1L):c.3273G>A (p.Leu1091=)

Gene: NCKAP1L (NCK associated protein 1 like; plus strand). Cytogenetic location: 12q13.2.
Variant type: single nucleotide variant.
Coding change: c.3273G>A on transcript NM_005337.5 (MANE Select); coding-DNA position 3273, G replaced by A.
Protein change: p.Leu1091=; no amino-acid change (leucine 1091 retained).
Molecular consequence: synonymous variant.
Genome position (GRCh38, 1-based): chr12:54,538,973, G>A. VCF-style: chr12-54538973-G-A. GRCh37 (hg19) VCF-style: chr12-54932757-G-A.
Other names: c.3123G>A, p.Leu1041= (NM_001184976.2); c.3273G>A (NM_005337.4).
Identifiers: ClinVar variation 2079520 (VCV002079520.3), dbSNP rs182948480, ClinGen allele CA6609678.
Genomic context (GRCh38, chr12:54,538,973, plus strand): 5'-CCAGGAGACTGACAAGCTTAAAACCAGAAATCGAGAATCCATTTCTCTGCTCATGCGCTT[G>A]GTAAGTACCTTATTTAAATTGGTGTGAGAATAGGGAATGGAAGGGCCAGAGGGAGACTTC-3'
Protein context (NP_005328.2, residues 1081-1101): NRESISLLMR[Leu1091=]VVEESSFLTL

ClinVar aggregate classification (germline): Conflicting classifications of pathogenicity. Review status: criteria provided, conflicting classifications (1 of 4 stars). 2 submissions from 2 submitters: Uncertain significance (1); Likely benign (1). Last evaluated 2026-02-19.

Conditions:
NCKAP1L-related disorder. Also called: NCKAP1L-related condition.

Allele frequency attached by ClinVar (database versions not stated): ExAC 0.00012; 1000 Genomes Project 30x 0.00062; 1000 Genomes Project 0.00080.
gnomAD v4.1: 337 of 1,613,378 alleles (0.021%); highest among the groups gnomAD compares: Admixed American, 0.11%; no homozygotes.

Submissions (4):

PreventionGenetics, part of Exact Sciences
Classification: Likely benign for NCKAP1L-related condition. Last evaluated: 2026-02-19. Review status: criteria provided, single submitter. Criteria: ACMG Guidelines, 2015. Collection method: clinical testing. Allele origin: germline.
Comment: This variant is classified as likely benign based on ACMG/AMP sequence variant interpretation guidelines (Richards et al. 2015 PMID: 25741868, with internal and published modifications).

Labcorp Genetics (formerly Invitae), Labcorp
Classification: Uncertain significance. Last evaluated: 2022-06-24. Review status: criteria provided, single submitter. Criteria: Invitae Variant Classification Sherloc (09022015). Collection method: clinical testing. Allele origin: germline.
Comment: This sequence change affects codon 1091 of the NCKAP1L mRNA. It is a 'silent' change, meaning that it does not change the encoded amino acid sequence of the NCKAP1L protein. This variant also falls at the last nucleotide of exon 30, which is part of the consensus splice site for this exon. This variant is present in population databases (rs182948480, gnomAD 0.03%). This variant has not been reported in the literature in individuals affected with NCKAP1L-related conditions. Variants that disrupt the consensus splice site are a relatively common cause of aberrant splicing (PMID: 17576681, 9536098). Algorithms developed to predict the effect of sequence changes on RNA splicing suggest that this variant is not likely to affect RNA splicing. In summary, the available evidence is currently insufficient to determine the role of this variant in disease. Therefore, it has been classified as a Variant of Uncertain Significance.

Dr. Peter K. Rogan Lab, Western University
No classification provided (evidence only). Condition: Sarcoma. Review status: no classification provided. Collection method: in vitro. Allele origin: not applicable. Functional consequence: retained intron. Not counted in ClinVar's aggregate classification.

Dr. Peter K. Rogan Lab, Western University
No classification provided (evidence only). Condition: Sarcoma. Review status: no classification provided. Collection method: in vitro. Allele origin: not applicable. Functional consequence: retained intron. Not counted in ClinVar's aggregate classification.

Literature cited by the submitters: PubMed 17576681 (cited by Labcorp Genetics (formerly Invitae), Labcorp); PubMed 9536098 (cited by Labcorp Genetics (formerly Invitae), Labcorp).